The following is an entry in ClinVar:

NM_000226.4(KRT9):c.72C>T (p.Ser24=)

Gene: KRT9 (keratin 9; minus strand). Cytogenetic location: 17q21.2.
Variant type: single nucleotide variant.
Coding change: c.72C>T on transcript NM_000226.4 (MANE Select); coding-DNA position 72, C replaced by T.
Protein change: p.Ser24=; no amino-acid change (serine 24 retained).
Molecular consequence: synonymous variant.
Genome position (GRCh38, 1-based): chr17:41,571,921, G>A on the plus strand (C>T on the coding strand, the complement: KRT9 is on the minus strand). VCF-style: chr17-41571921-G-A. GRCh37 (hg19) VCF-style: chr17-39728173-G-A.
Identifiers: ClinVar variation 323142 (VCV000323142.7), dbSNP rs369925340, ClinGen allele CA8562330.

ClinVar aggregate classification (germline): Benign/Likely benign. Review status: criteria provided, multiple submitters, no conflicts (2 of 4 stars). 2 submissions from 2 submitters: Benign (1); Likely benign (1). Last evaluated 2025-10-30.

Conditions:
Palmoplantar keratoderma, epidermolytic. Also called: Localized epidermolytic hyperkeratosis. Identifiers: MedGen C1721006, MONDO:0968949, HP:0007559.

Allele frequency attached by ClinVar (database versions not stated): gnomAD 0.00005 and 0.00044; TOPMed 0.00011; ESP Exome Variant Server 0.00015; gnomAD exomes 0.00054 and 0.00139; ExAC 0.00239; 1000 Genomes Project 30x 0.00328; 1000 Genomes Project 0.00459.

Submissions (2):

Labcorp Genetics (formerly Invitae), Labcorp
Classification: Benign. Last evaluated: 2025-10-30. Review status: criteria provided, single submitter. Criteria: Invitae Variant Classification Sherloc (09022015). Collection method: clinical testing. Allele origin: germline.

Illumina Laboratory Services, Illumina
Classification: Likely benign for Epidermolytic palmoplantar keratoderma, 1. Last evaluated: 2018-01-13. Review status: criteria provided, single submitter. Criteria: ICSL Variant Classification Criteria 13 December 2019. Collection method: clinical testing. Allele origin: germline.
Comment: This variant was observed in the ICSL laboratory as part of a predisposition screen in an ostensibly healthy population. It had not been previously curated by ICSL or reported in the Human Gene Mutation Database (HGMD: prior to June 1st, 2018), and was therefore a candidate for classification through an automated scoring system. Utilizing variant allele frequency, disease prevalence and penetrance estimates, and inheritance mode, an automated score was calculated to assess if this variant is too frequent to cause the disease. Based on the score and internal cut-off values, a variant classified as likely benign is not then subjected to further curation. The score for this variant resulted in a classification of likely benign for this disease.